The following continues an entry in ClinVar:

NM_000059.4(BRCA2):c.8954-5A>G

Gene: BRCA2. ClinVar aggregate classification (germline): Pathogenic/Likely pathogenic. Pathogenic (7); Likely pathogenic (5).

Submissions 8 to 16 of 16:

Victorian Clinical Genetics Services, Murdoch Childrens Research Institute
Classification: Pathogenic for Breast-ovarian cancer, familial, susceptibility to, 2. Last evaluated: 2022-02-02. Review status: criteria provided, single submitter. Criteria: ACMG Guidelines, 2015. Collection method: clinical testing. Allele origin: germline.
Comment: Based on the classification scheme VCGS_Germline_v1.3.4, this variant is classified as Pathogenic. Following criteria are met: 0102 - Loss of function is a known mechanism of disease in this gene and is associated with BRCA2-associated cancers, complementation group D1 fanconi anemia (MIM#605724) and Wilms tumor (MIM#194070). (I) 0108 - This gene is associated with both recessive and dominant disease (OMIM). (I) 0112 - The condition associated with this gene has incomplete penetrance (OMIM). (I) 0210 - Splice site variant proven to affect splicing of the transcript with a known effect on protein sequence. RT-PCR analysis of RNA extracted from patient-lymphocyte cultures demonstrated that this variant resulted in a cryptic splice site and an out-of-frame insertion of 4 nucleotides which introduced a premature stop codon. The authors further hypothesized that the mutant transcript is prone to NMD (PMID: 29280214). (SP) 0251 - This variant is heterozygous. (I) 0301 - Variant is absent from gnomAD (both v2 and v3). (SP) 0508 - In silico predictions for abnormal splicing are conflicting and the affected nucleotide is highly conserved. (I) 0701 - Other NMD-predicted variants comparable to the one identified in this case have very strong previous evidence for pathogenicity (Decipher. ClinVar). (SP) 0801 - This variant has strong previous evidence of pathogenicity in unrelated individuals. This variant has been classified as likely pathogenic or pathogenic by multiple clinical diagnostic laboratories and has been reported in at least five individuals with a personal or family history of hereditary breast and/or ovarian cancer (ClinVar, PMIDs: 21735045, 24123850, 24916970, 26187060). (SP) 1208 - Inheritance information for this variant is not currently available in this individual. (I) Legend: (SP) - Supporting pathogenic, (I) - Information, (SB) - Supporting benign

Institute of Medical Genetics and Applied Genomics, University Hospital Tübingen
Classification: Pathogenic. Last evaluated: 2020-10-23. Review status: criteria provided, single submitter. Criteria: ACMG Guidelines, 2015. Collection method: clinical testing. Allele origin: germline. Inheritance: Unknown mechanism. Affected: yes.

GeneDx
Classification: Likely pathogenic. Last evaluated: 2019-10-28. Review status: criteria provided, single submitter. Criteria: GeneDx Variant Classification Process June 2021. Collection method: clinical testing. Allele origin: germline. Affected: yes.
Comment: Non-canonical splice site variant demonstrated to result in protein truncation or nonsense mediated decay in a gene for which loss-of-function is a known mechanism of disease (Menendez 2012, de Garibay 2014 Santos 2014, Baert 2017); Observed in individuals with personal and family history consistent with HBOC (de Juan Jimenez 2013, Santos 2014, Peixoto 2015); Not observed in large population cohorts (Lek 2016); Also known as 9182-5A>G; This variant is associated with the following publications: (PMID: 26187060, 24916970, 23479189, 31131967, 30702160, 30415210, 21735045, 24607278, 24123850, 29280214)

Women's Health and Genetics/Laboratory Corporation of America, LabCorp
Classification: Likely pathogenic for Hereditary breast ovarian cancer syndrome. Last evaluated: 2016-12-19. Review status: criteria provided, single submitter. Criteria: LabCorp Variant Classification Summary - May 2015. Collection method: clinical testing. Allele origin: germline.
Comment: Variant summary: The BRCA2 c.8954-5A>G variant involves the alteration of a non-conserved intronic nucleotide. One in silico tool predicts a benign outcome for this variant. 5/5 splice prediction tools predict an alteration on normal splicing, which is confirmed by functional studies which shows the variant incudes aberrant splicing of intron 22 with the retention of its last 4 bp, which is predicted to result in out of frame product (de Garibay_2014, Menendez_2012, Santos_2014). This variant is absent in 120924 control chromosomes, but was reported in numerous affected individuals in the literature, including one family in which 1 carrier unaffected, two families with one non-carrier in each family had HBOC. These families show some level of non-segregation. In addition, multiple clinical diagnostic laboratories/reputable databases classified this variant as pathogenic. Taken together, this variant is classified as likely pathogenic.

Consortium of Investigators of Modifiers of BRCA1/2 (CIMBA), c/o University of Cambridge
Classification: Pathogenic for Breast-ovarian cancer, familial, susceptibility to, 2. Last evaluated: 2015-10-02. Review status: criteria provided, single submitter. Criteria: CIMBA Mutation Classification guidelines May 2016. Collection method: clinical testing. Allele origin: germline.

BRCAlab, Lund University
Classification: Pathogenic for Breast-ovarian cancer, familial, susceptibility to, 2. Last evaluated: 2020-03-02. Review status: no assertion criteria provided. Collection method: clinical testing. Allele origin: germline. Affected: yes. Not counted in ClinVar's aggregate classification.

Research Molecular Genetics Laboratory, Women's College Hospital, University of Toronto
Classification: Likely pathogenic for Hereditary breast ovarian cancer syndrome. Last evaluated: 2015-12-17. Review status: no assertion criteria provided. Collection method: research. Allele origin: germline. Affected: yes. Study: The Canadian Open Genetics Repository (COGR). Not counted in ClinVar's aggregate classification.

Center for Precision Medicine, Meizhou People's Hospital
Classification: Likely pathogenic for Familial cancer of breast. Review status: no assertion criteria provided. Collection method: literature only. Allele origin: germline. Affected: yes. Not counted in ClinVar's aggregate classification.

Department of Pathology and Laboratory Medicine, Sinai Health System
Classification: Pathogenic. Review status: no assertion criteria provided. Collection method: clinical testing. Allele origin: unknown. Affected: yes. Study: The Canadian Open Genetics Repository (COGR). Not counted in ClinVar's aggregate classification.

Literature cited by the submitters: PubMed 21735045 (cited by 6 submitters); PubMed 23479189 (cited by 4 submitters); PubMed 24123850 (cited by 6 submitters); PubMed 24607278 (cited by 5 submitters); PubMed 24916970 (cited by 6 submitters); PubMed 26187060 (cited by 5 submitters); PubMed 29280214 (cited by 5 submitters); PubMed 30415210 (cited by 4 submitters); PubMed 30702160 (cited by 3 submitters); PubMed 33875706 (cited by Quest Diagnostics Nichols Institute San Juan Capistrano and Color Diagnostics, LLC DBA Color Health); PubMed 35918668 (cited by Quest Diagnostics Nichols Institute San Juan Capistrano and Color Diagnostics, LLC DBA Color Health); PubMed 23893897 (cited by Quest Diagnostics Nichols Institute San Juan Capistrano and Women's Health and Genetics/Laboratory Corporation of America, LabCorp); PubMed 26446551 (cited by Quest Diagnostics Nichols Institute San Juan Capistrano); PubMed 28726806 (cited by Quest Diagnostics Nichols Institute San Juan Capistrano); PubMed 29446198 (cited by Quest Diagnostics Nichols Institute San Juan Capistrano); PubMed 38671360 (cited by Quest Diagnostics Nichols Institute San Juan Capistrano); PubMed 32614418 (cited by Quest Diagnostics Nichols Institute San Juan Capistrano); PubMed 31131967 (cited by Quest Diagnostics Nichols Institute San Juan Capistrano).